The following is an entry in ClinVar:

ClinVar aggregate classification (germline): Likely benign (0 of 4 stars; one submission).

Conditions:
ESRP2-related disorder. Also called: ESRP2-related condition.

Allele frequency attached by ClinVar (database versions not stated): gnomAD 0.00616; 1000 Genomes Project 30x 0.00625; 1000 Genomes Project 0.00639; TOPMed 0.00683; gnomAD exomes 0.00060; ExAC 0.00180; ESP Exome Variant Server 0.00577.
gnomAD v4.1: 1,853 of 1,614,210 alleles (0.11%); highest among the groups gnomAD compares: African/African-American, 2.2%; 22 homozygotes.

Submission:

PreventionGenetics, part of Exact Sciences
Classification: Likely benign for ESRP2-related condition. Last evaluated: 2020-03-02. Review status: no assertion criteria provided. Collection method: clinical testing. Allele origin: germline.
Comment: This variant is classified as likely benign based on ACMG/AMP sequence variant interpretation guidelines (Richards et al. 2015 PMID: 25741868, with internal and published modifications).

NM_024939.3(ESRP2):c.711-9C>T

Gene: ESRP2 (epithelial splicing regulatory protein 2; minus strand). Cytogenetic location: 16q22.1.
Variant type: single nucleotide variant.
Coding change: c.711-9C>T on transcript NM_024939.3 (MANE Select); 9 bases into the intron before coding-DNA position 711, C replaced by T.
Molecular consequence: intron variant. On other transcripts: synonymous variant (1).
Genome position (GRCh38, 1-based): chr16:68,232,696, G>A on the plus strand (C>T on the coding strand, the complement: ESRP2 is on the minus strand). VCF-style: chr16-68232696-G-A. GRCh37 (hg19) VCF-style: chr16-68266599-G-A.
Other names: c.732C>T, p.Cys244= (NM_001365264.1); c.711-9C>T (NM_001365265.1).
Identifiers: ClinVar variation 3053817 (VCV003053817.2), dbSNP rs114937364, ClinGen allele CA8125483.